The following is an entry in ClinVar:

ClinVar aggregate classification (germline): Pathogenic/Likely pathogenic. Review status: criteria provided, multiple submitters, no conflicts (2 of 4 stars). 2 submissions from 2 submitters: Pathogenic (1); Likely pathogenic (1). Last evaluated 2021-09-09.

Conditions:
Mucopolysaccharidosis type 1. Also called: IDUA deficiency; MPS I; Mucopolysaccharidosis Type I. Identifiers: Orphanet 579, MedGen C0023786, MONDO:0001586.

Submissions (2):

Labcorp Genetics (formerly Invitae), Labcorp
Classification: Pathogenic for Mucopolysaccharidosis type 1. Last evaluated: 2021-09-09. Review status: criteria provided, single submitter. Criteria: Invitae Variant Classification Sherloc (09022015). Collection method: clinical testing. Allele origin: germline.
Comment: For these reasons, this variant has been classified as Pathogenic. This variant has not been reported in the literature in individuals affected with IDUA-related conditions. The frequency data for this variant in the population databases is considered unreliable, as metrics indicate insufficient coverage at this position in the ExAC database. This sequence change creates a premature translational stop signal (p.Cys541*) in the IDUA gene. It is expected to result in an absent or disrupted protein product. Loss-of-function variants in IDUA are known to be pathogenic (PMID: 11735025, 21480867).

Revvity Omics, Revvity
Classification: Likely pathogenic. Last evaluated: 2021-08-05. Review status: criteria provided, single submitter. Criteria: ACMG Guidelines, 2015. Collection method: clinical testing. Allele origin: germline.

Literature cited by the submitters: PubMed 11735025 (cited by Labcorp Genetics (formerly Invitae), Labcorp); PubMed 21480867 (cited by Labcorp Genetics (formerly Invitae), Labcorp).

NM_000203.5(IDUA):c.1623T>A (p.Cys541Ter)

Gene: IDUA (alpha-L-iduronidase; plus strand). Cytogenetic location: 4p16.3.
Variant type: single nucleotide variant.
Coding change: c.1623T>A on transcript NM_000203.5 (MANE Select); coding-DNA position 1623, T replaced by A.
Protein change: p.Cys541Ter; replaces cysteine 541 with a stop codon.
Molecular consequence: nonsense. On other transcripts: non-coding transcript variant (1).
Genome position (GRCh38, 1-based): chr4:1,003,443, T>A. VCF-style: chr4-1003443-T-A. GRCh37 (hg19) VCF-style: chr4-997231-T-A.
Other names: c.1227T>A, p.Cys409Ter (NM_001363576.1); short protein forms C409*, C541*.
Identifiers: ClinVar variation 1324567 (VCV001324567.9), dbSNP rs2153022938, ClinGen allele CA355965079.
Genomic context (GRCh38, chr4:1,003,443, plus strand): 5'-CGGCCGCCTGACCCTGCGCCCCGCGCTGCGGCTGCCGTCGCTTTTGCTGGTGCACGTGTG[T>A]GCGCGCCCCGAGAAGCCGCCCGGGCAGGCAAGTGGCAGTCCCCTAACCCGCGCCGCGGCC-3'